The following is an entry in ClinVar:

NM_152490.5(B3GALNT2):c.737G>A (p.Gly246Glu)

Gene: B3GALNT2 (beta-1,3-N-acetylgalactosaminyltransferase 2; minus strand). Cytogenetic location: 1q42.3.
Variant type: single nucleotide variant.
Coding change: c.737G>A on transcript NM_152490.5 (MANE Select); coding-DNA position 737, G replaced by A.
Protein change: p.Gly246Glu; replaces glycine 246 with glutamic acid.
Molecular consequence: missense variant.
Genome position (GRCh38, 1-based): chr1:235,470,875, C>T on the plus strand (G>A on the coding strand, the complement: B3GALNT2 is on the minus strand). VCF-style: chr1-235470875-C-T. GRCh37 (hg19) VCF-style: chr1-235634189-C-T.
Other names: c.860G>A, p.Gly287Glu (NM_001277155.3); short protein forms G246E, G287E.
Identifiers: ClinVar variation 391147 (VCV000391147.3), dbSNP rs1057523985, ClinGen allele CA16603591.

ClinVar aggregate classification (germline): Uncertain significance. Review status: criteria provided, multiple submitters, no conflicts (2 of 4 stars). 2 submissions from 2 submitters: Uncertain significance (2). Last evaluated 2024-03-14.

Conditions:
Muscular dystrophy-dystroglycanopathy (congenital with brain and eye anomalies), type a, 11 (MDDGA11). Also called: WALKER-WARBURG SYNDROME OR MUSCLE-EYE-BRAIN DISEASE, B3GALNT2-RELATED; Muscular dystrophy-dystroglycanopathy (congenital with brain and eye anomalies, type A, 11; Congenital muscular dystrophy-dystroglycanopathy with brain and eye anomalies, type A11. Identifiers: Orphanet 588, Orphanet 899, MedGen C3554638, MONDO:0014071, OMIM 615181.

Allele frequency attached by ClinVar (database versions not stated): gnomAD 0.00001; gnomAD exomes 0.00001 and 0.00002; TOPMed 0.00001.

Submissions (2):

Labcorp Genetics (formerly Invitae), Labcorp
Classification: Uncertain significance for Muscular dystrophy-dystroglycanopathy (congenital with brain and eye anomalies), type a, 11. Last evaluated: 2024-03-14. Review status: criteria provided, single submitter. Criteria: Invitae Variant Classification Sherloc (09022015). Collection method: clinical testing. Allele origin: germline.
Comment: This sequence change replaces glycine, which is neutral and non-polar, with glutamic acid, which is acidic and polar, at codon 246 of the B3GALNT2 protein (p.Gly246Glu). This variant is present in population databases (no rsID available, gnomAD 0.004%). This variant has not been reported in the literature in individuals affected with B3GALNT2-related conditions. ClinVar contains an entry for this variant (Variation ID: 391147). Advanced modeling of protein sequence and biophysical properties (such as structural, functional, and spatial information, amino acid conservation, physicochemical variation, residue mobility, and thermodynamic stability) performed at Invitae indicates that this missense variant is not expected to disrupt B3GALNT2 protein function with a negative predictive value of 80%. In summary, the available evidence is currently insufficient to determine the role of this variant in disease. Therefore, it has been classified as a Variant of Uncertain Significance.

GeneDx
Classification: Uncertain significance. Last evaluated: 2016-12-01. Review status: criteria provided, single submitter. Criteria: GeneDx Variant Classification (06012015). Collection method: clinical testing. Allele origin: germline. Affected: yes.
Comment: The G246E variant has not been published as a pathogenic variant, nor has it been reported as a benign variant to our knowledge. The G246E variant is not observed in large population cohorts (Lek et al., 2016; 1000 Genomes Consortium et al., 2015; Exome Variant Server). The G246E variant is a non-conservative amino acid substitution, which is likely to impact secondary protein structure as these residues differ in polarity, charge, size and/or other properties. This substitution occurs at a position that is conserved across species, and a missense variant in a nearby residue (G247E) has been reported in the Human Gene Mutation Database in association with dystroglycanopathy (Stenson et al., 2014). In silico analysis predicts this variant is probably damaging to the protein structure/function.